The following is an entry in ClinVar:

ClinVar aggregate classification (germline): Uncertain significance. Review status: criteria provided, multiple submitters, no conflicts (2 of 4 stars). 3 submissions from 3 submitters: Uncertain significance (3). Last evaluated 2026-01-28.

Allele frequency attached by ClinVar (database versions not stated): TOPMed 0.00011; gnomAD 0.00016 and 0.00017; ExAC 0.00020; gnomAD exomes 0.00020 and 0.00021; 1000 Genomes Project 30x 0.00031.
gnomAD v4.1: 312 of 1,589,854 alleles (0.02%); highest among the groups gnomAD compares: Non-Finnish European, 0.022%; no homozygotes.

Submissions (3):

Labcorp Genetics (formerly Invitae), Labcorp
Classification: Uncertain significance. Last evaluated: 2026-01-28. Review status: criteria provided, single submitter. Criteria: Invitae Variant Classification Sherloc (09022015). Collection method: clinical testing. Allele origin: germline.
Comment: This sequence change replaces glycine, which is neutral and non-polar, with glutamic acid, which is acidic and polar, at codon 440 of the MKL1 protein (p.Gly440Glu). This variant is present in population databases (rs746278789, gnomAD 0.08%), and has an allele count higher than expected for a pathogenic variant. This variant has not been reported in the literature in individuals affected with MKL1-related conditions. ClinVar contains an entry for this variant (Variation ID: 1683065). An algorithm developed to predict the effect of missense changes on protein structure and function (PolyPhen-2) suggests that this variant is likely to be disruptive. In summary, the available evidence is currently insufficient to determine the role of this variant in disease. Therefore, it has been classified as a Variant of Uncertain Significance.

Blueprint Genetics
Classification: Uncertain significance. Last evaluated: 2024-11-11. Review status: criteria provided, single submitter. Criteria: ACMG Guidelines, 2015. Collection method: clinical testing. Allele origin: germline.

Ambry Genetics
Classification: Uncertain significance. Last evaluated: 2024-08-05. Review status: criteria provided, single submitter. Criteria: Ambry Variant Classification Scheme 2023. Collection method: clinical testing. Allele origin: germline.

NM_020831.6(MRTFA):c.1619G>A (p.Gly540Glu)

Gene: MRTFA (myocardin related transcription factor A; minus strand). Cytogenetic location: 22q13.1.
Variant type: single nucleotide variant.
Coding change: c.1619G>A on transcript NM_020831.6 (MANE Select); coding-DNA position 1619, G replaced by A.
Protein change: p.Gly540Glu; replaces glycine 540 with glutamic acid.
Molecular consequence: missense variant.
Genome position (GRCh38, 1-based): chr22:40,419,119, C>T on the plus strand (G>A on the coding strand, the complement: MRTFA is on the minus strand). VCF-style: chr22-40419119-C-T. GRCh37 (hg19) VCF-style: chr22-40815123-C-T.
Other names: c.1319G>A, p.Gly440Glu (NM_001282660.2); c.1469G>A, p.Gly490Glu (NM_001282661.3); c.1619G>A, p.Gly540Glu (NM_001282662.3); c.1424G>A, p.Gly475Glu (NM_001318139.2); c.1319G>A (NM_020831.3); short protein forms G440E, G475E, G490E, G540E.
Identifiers: ClinVar variation 1683065 (VCV001683065.10), dbSNP rs746278789, ClinGen allele CA10249622.